The following is an entry in ClinVar:

ClinVar aggregate classification (germline): Uncertain significance (1 of 4 stars; one submission).

Conditions:
Marfan syndrome (MFS). Also called: MARFAN SYNDROME, TYPE I; Marfan syndrome type 1; Marfan's syndrome; Marfan syndrome, classic; FBN1-Related Marfan Syndrome. Identifiers: Orphanet 284963, Orphanet 558, MedGen C0024796, MONDO:0007947, OMIM 154700.
Familial thoracic aortic aneurysm and aortic dissection (TAAD). Also called: Thoracic aortic aneurysms and dissections. Identifiers: Orphanet 91387, MedGen C4707243, MONDO:0019625.

gnomAD v4.1: 1 of 1,614,134 alleles (0.000062%); highest among the groups gnomAD compares: Admixed American, 0.0017%; no homozygotes.

Submission:

Labcorp Genetics (formerly Invitae), Labcorp
Classification: Uncertain significance for Marfan syndrome; Familial thoracic aortic aneurysm and aortic dissection. Last evaluated: 2024-04-03. Review status: criteria provided, single submitter. Criteria: Invitae Variant Classification Sherloc (09022015). Collection method: clinical testing. Allele origin: germline.
Comment: This sequence change replaces alanine, which is neutral and non-polar, with threonine, which is neutral and polar, at codon 2620 of the FBN1 protein (p.Ala2620Thr). This variant is not present in population databases (gnomAD no frequency). This missense change has been observed in individual(s) with Marfan syndrome (PMID: 32679894). Advanced modeling of protein sequence and biophysical properties (such as structural, functional, and spatial information, amino acid conservation, physicochemical variation, residue mobility, and thermodynamic stability) performed at Invitae indicates that this missense variant is expected to disrupt FBN1 protein function with a positive predictive value of 95%. In summary, the available evidence is currently insufficient to determine the role of this variant in disease. Therefore, it has been classified as a Variant of Uncertain Significance.

Literature cited by the submitters: PubMed 32679894.

NM_000138.5(FBN1):c.7858G>A (p.Ala2620Thr)

Gene: FBN1 (fibrillin 1; minus strand). Cytogenetic location: 15q21.1.
Variant type: single nucleotide variant.
Coding change: c.7858G>A on transcript NM_000138.5 (MANE Select); coding-DNA position 7858, G replaced by A.
Protein change: p.Ala2620Thr; replaces alanine 2620 with threonine.
Molecular consequence: missense variant.
Genome position (GRCh38, 1-based): chr15:48,415,729, C>T on the plus strand (G>A on the coding strand, the complement: FBN1 is on the minus strand). VCF-style: chr15-48415729-C-T. GRCh37 (hg19) VCF-style: chr15-48707926-C-T.
Other names: c.7858G>A, p.Ala2620Thr (NM_001406716.1); short protein forms A2620T.
Identifiers: ClinVar variation 3753362 (VCV003753362.2).
Genomic context (GRCh38, chr15:48,415,729, plus strand): 5'-CATACTGGAAGCCGGCGGGACACATGCACTTGTAGCTCCCCAGGGTGTTGTGACAGGAGG[C>T]TCCTCCGCAGATGTGAGCGCTGAGGCATTCGTTTTCATCTGCAGGCAAAATAAGAAGCGG-3'
Protein context (NP_000129.3, residues 2610-2630): ECLSAHICGG[Ala2620Thr]SCHNTLGSYK